The following is an entry in ClinVar:

ClinVar aggregate classification (germline): Pathogenic/Likely pathogenic. Review status: criteria provided, multiple submitters, no conflicts (2 of 4 stars). 2 submissions from 2 submitters: Pathogenic (1); Likely pathogenic (1). Last evaluated 2025-04-04.

Conditions:
Cohen syndrome (COH1). Also called: PEPPER SYNDROME; Cutis verticis gyrata, retinitis pigmentosa, and sensorineural deafness. Identifiers: Orphanet 193, MedGen C0265223, MONDO:0008999, OMIM 216550.

Allele frequency attached by ClinVar (database versions not stated): gnomAD exomes below 0.00001.
gnomAD v4.1: 2 of 1,613,900 alleles (0.00012%); highest among the groups gnomAD compares: South Asian, 0.0011%; no homozygotes.

Submissions (2):

Natera, Inc.
Classification: Likely pathogenic for Cohen syndrome. Last evaluated: 2025-04-04. Review status: criteria provided, single submitter. Criteria: Natera Variant Classification Schema (03/2026). Collection method: clinical testing. Allele origin: germline.
Comment: The c.8875C>T variant in VPS13B is a nonsense variant predicted to introduce a stop codon at amino acid 2959. This variant is expected to result in nonsense mediated decay, truncation, or a dysfunctional protein product. This variant is rare in the general population with a frequency below the threshold expected for the associated phenotype(s). Given the available evidence, this variant is classified as Likely Pathogenic.

GeneDx
Classification: Pathogenic. Last evaluated: 2022-12-22. Review status: criteria provided, single submitter. Criteria: GeneDx Variant Classification Process June 2021. Collection method: clinical testing. Allele origin: germline. Affected: yes.
Comment: Nonsense variant predicted to result in protein truncation or nonsense mediated decay in a gene for which loss of function is a known mechanism of disease; Not observed at significant frequency in large population cohorts (gnomAD); This variant is associated with the following publications: (PMID: 34448047)

NM_152564.5(VPS13B):c.8800C>T (p.Gln2934Ter)

Gene: VPS13B (vacuolar protein sorting 13 homolog B; plus strand). Cytogenetic location: 8q22.2.
Variant type: single nucleotide variant.
Coding change: c.8800C>T on transcript NM_152564.5 (MANE Select); coding-DNA position 8800, C replaced by T.
Protein change: p.Gln2934Ter; replaces glutamine 2934 with a stop codon.
Molecular consequence: nonsense.
Genome position (GRCh38, 1-based): chr8:99,819,928, C>T. VCF-style: chr8-99819928-C-T. GRCh37 (hg19) VCF-style: chr8-100832156-C-T.
Other names: c.8875C>T, p.Gln2959Ter (NM_017890.5); short protein forms Q2934*, Q2959*.
Identifiers: ClinVar variation 2506843 (VCV002506843.3), dbSNP rs2492015710, ClinGen allele CA371776842.
Genomic context (GRCh38, chr8:99,819,928, plus strand): 5'-ATATTAAAGTTATCATATTTCATTGAGTCTCTTGGATGTGGTTTTTGGAACAGGAATGAA[C>T]AGCTAAGTCAGTGGGATAGCCCAATGCGAGTGAAGCTGTCAATCTGGAAGCCATATGTTA-3'